The following is an entry in ClinVar:

ClinVar aggregate classification (germline): Uncertain significance (1 of 4 stars; one submission).

gnomAD v4.1: 3 of 1,599,694 alleles (0.00019%); highest among the groups gnomAD compares: Non-Finnish European, 0.00026%; no homozygotes.

Submission:

Ambry Genetics
Classification: Uncertain significance. Last evaluated: 2024-09-24. Review status: criteria provided, single submitter. Criteria: Ambry Variant Classification Scheme 2023. Collection method: clinical testing. Allele origin: germline.
Comment: The p.I943M variant (also known as c.2829A>G), located in coding exon 16 of the POLQ gene, results from an A to G substitution at nucleotide position 2829. The isoleucine at codon 943 is replaced by methionine, an amino acid with highly similar properties. This amino acid position is conserved. In addition, this alteration is predicted to be tolerated by in silico analysis. Since supporting evidence is limited at this time, the clinical significance of this alteration remains unclear.

NM_199420.4(POLQ):c.2829A>G (p.Ile943Met)

Gene: POLQ (DNA polymerase theta; minus strand). Cytogenetic location: 3q13.33.
Variant type: single nucleotide variant.
Coding change: c.2829A>G on transcript NM_199420.4 (MANE Select); coding-DNA position 2829, A replaced by G.
Protein change: p.Ile943Met; replaces isoleucine 943 with methionine.
Molecular consequence: missense variant.
Genome position (GRCh38, 1-based): chr3:121,490,102, T>C on the plus strand (A>G on the coding strand, the complement: POLQ is on the minus strand). VCF-style: chr3-121490102-T-C. GRCh37 (hg19) VCF-style: chr3-121208949-T-C.
Other names: short protein forms I943M.
Identifiers: ClinVar variation 1796530 (VCV001796530.3), dbSNP rs1452568981, ClinGen allele CA354104393.